The following is an entry in ClinVar:

ClinVar aggregate classification (germline): Uncertain significance (1 of 4 stars; one submission).

Allele frequency attached by ClinVar (database versions not stated): ESP Exome Variant Server 0.00008.
gnomAD v4.1: 18 of 1,612,700 alleles (0.0011%); highest among the groups gnomAD compares: Non-Finnish European, 0.0014%; no homozygotes.

Submission:

Labcorp Genetics (formerly Invitae), Labcorp
Classification: Uncertain significance. Last evaluated: 2022-08-12. Review status: criteria provided, single submitter. Criteria: Invitae Variant Classification Sherloc (09022015). Collection method: clinical testing. Allele origin: germline.
Comment: In summary, the available evidence is currently insufficient to determine the role of this variant in disease. Therefore, it has been classified as a Variant of Uncertain Significance. Algorithms developed to predict the effect of missense changes on protein structure and function (SIFT, PolyPhen-2, Align-GVGD) all suggest that this variant is likely to be tolerated. ClinVar contains an entry for this variant (Variation ID: 1395703). This variant has not been reported in the literature in individuals affected with SI-related conditions. This variant is present in population databases (rs376939576, gnomAD 0.004%). This sequence change replaces asparagine, which is neutral and polar, with histidine, which is basic and polar, at codon 726 of the SI protein (p.Asn726His).

NM_001041.4(SI):c.2176A>C (p.Asn726His)

Gene: SI (sucrase-isomaltase; minus strand). Cytogenetic location: 3q26.1.
Variant type: single nucleotide variant.
Coding change: c.2176A>C on transcript NM_001041.4 (MANE Select); coding-DNA position 2176, A replaced by C.
Protein change: p.Asn726His; replaces asparagine 726 with histidine.
Molecular consequence: missense variant.
Genome position (GRCh38, 1-based): chr3:165,039,955, T>G on the plus strand (A>C on the coding strand, the complement: SI is on the minus strand). VCF-style: chr3-165039955-T-G. GRCh37 (hg19) VCF-style: chr3-164757743-T-G.
Other names: short protein forms N726H.
Identifiers: ClinVar variation 1395703 (VCV001395703.6), dbSNP rs376939576, ClinGen allele CA2690807.
Genomic context (GRCh38, chr3:165,039,955, plus strand): 5'-GAACAGGAGTAATAAGTAATGCAGGGCCCCACAAAAACTCAGTGTCCTCAATCCAGCTGT[T>G]CGTATCCTCATAAAACCTAAGAACAATGACAATGTTTAAAGTATAATAATGAAAAAATAA-3'
Protein context (NP_001032.2, residues 716-736): PVLHEFYEDT[Asn726His]SWIEDTEFLW